The following is an entry in ClinVar:

NM_001040142.2(SCN2A):c.658A>G (p.Arg220Gly)

Gene: SCN2A (sodium voltage-gated channel alpha subunit 2; plus strand). Cytogenetic location: 2q24.3.
Variant type: single nucleotide variant.
Coding change: c.658A>G on transcript NM_001040142.2 (MANE Select); coding-DNA position 658, A replaced by G.
Protein change: p.Arg220Gly; replaces arginine 220 with glycine.
Molecular consequence: missense variant. On other transcripts: intron variant (2).
Genome position (GRCh38, 1-based): chr2:165,309,404, A>G. VCF-style: chr2-165309404-A-G. GRCh37 (hg19) VCF-style: chr2-166165914-A-G.
Other names: NM_001040142.2(SCN2A):c.658A>G; p.Arg220Gly; c.658A>G, p.Arg220Gly (NM_001371247.1, NM_021007.3); c.697+148A>G (NM_001040143.2, NM_001371246.1); short protein forms R220G.
Identifiers: ClinVar variation 567919 (VCV000567919.11), dbSNP rs1559352550, ClinGen allele CA349017486.

ClinVar aggregate classification (germline): Likely pathogenic. Review status: reviewed by expert panel (3 of 4 stars). 2 submissions from 2 submitters: Likely pathogenic (1). 1 of the submissions does not count toward it. Last evaluated 2026-03-24.

Conditions:
Complex neurodevelopmental disorder. Identifiers: Orphanet 528084, MedGen C5568766, MONDO:0100038.
Seizures, benign familial infantile, 3 (BFIS3). Also called: Familial neonatal seizures; CONVULSIONS, BENIGN FAMILIAL INFANTILE, 3. Identifiers: Orphanet 140927, Orphanet 306, MedGen C1843140, MONDO:0011904, OMIM 607745.
Developmental and epileptic encephalopathy, 11 (DEE11). Also called: Early infantile epileptic encephalopathy 11. Identifiers: Orphanet 1934, MedGen C3150987, MONDO:0013388, OMIM 613721.

Submissions (2):

ClinGen Epilepsy Sodium Channel Variant Curation Expert Panel, Clingen
Classification: Likely pathogenic for Complex neurodevelopmental disorder. Last evaluated: 2026-03-24. Review status: reviewed by expert panel. Criteria: ClinGen EpilepsySCN ACMG Specifications SCN2A V2.0.0. Collection method: curation. Allele origin: germline. Inheritance: Autosomal dominant inheritance.
Comment: The NM_001040142.2:c.658A>G variant in SCN2A is a missense variant predicted to cause substitution of arginine by glycine at amino acid 220 (p.Arg220Gly). This variant has been identified as a de novo occurrence with unconfirmed parental relationships in 1 individual with autosomal dominant complex neurodevelopmental disorder (PM6_Supporting; PMID 25818041). This variant has been reported in 3 probands meeting phenotypic criteria for autosomal dominant complex neurodevelopmental disorder (PS4_Moderate; PMID 31440721, 33000761). This variant is absent from gnomAD v4.1.0 (PM2_Supporting). This variant resides within a region, amino acids 213-231, of SCN2A that is defined as a mutational hotspot and/or critical functional domain by the ClinGen Epilepsy Sodium Channel VCEP (PM1). The computational predictor REVEL gives a score of 0.976, which is above the threshold of ≥0.773, evidence that correlates with impact to SCN2A function (PP3_Moderate). In summary, this variant meets the criteria to be classified as likely pathogenic for autosomal dominant complex neurodevelopmental disorder based on the ACMG/AMP criteria applied, as specified by the ClinGen Epilepsy Sodium Channel VCEP: PS4_Moderate, PM1, PP3_Moderate, PM6_Supporting, PM2_Supporting. (VCEP Specifications Version 2.0.0; Approved 3/24/26).

Labcorp Genetics (formerly Invitae), Labcorp
Classification: Pathogenic for Seizures, benign familial infantile, 3; Developmental and epileptic encephalopathy, 11. Last evaluated: 2021-09-30. Review status: criteria provided, single submitter. Criteria: Invitae Variant Classification Sherloc (09022015). Collection method: clinical testing. Allele origin: germline. Not counted in ClinVar's aggregate classification.
Comment: For these reasons, this variant has been classified as Pathogenic. Algorithms developed to predict the effect of missense changes on protein structure and function are either unavailable or do not agree on the potential impact of this missense change (SIFT: "Deleterious"; PolyPhen-2: "Probably Damaging"; Align-GVGD: "Class C0"). This missense change has been observed in individual(s) with early infantile epileptic encephalopathy (PMID: 25818041; Invitae). In at least one individual the variant was observed to be de novo. This variant is not present in population databases (ExAC no frequency). This sequence change replaces arginine with glycine at codon 220 of the SCN2A protein (p.Arg220Gly). The arginine residue is highly conserved and there is a moderate physicochemical difference between arginine and glycine.

Literature cited by the submitters: PubMed 25818041 (cited by Labcorp Genetics (formerly Invitae), Labcorp).